The following is an entry in ClinVar:

ClinVar aggregate classification (germline): Uncertain significance. Review status: criteria provided, multiple submitters, no conflicts (2 of 4 stars). 2 submissions from 2 submitters: Uncertain significance (2). Last evaluated 2024-10-21.

Allele frequency attached by ClinVar (database versions not stated): 1000 Genomes Project 0.00040; gnomAD 0.00004; TOPMed 0.00006; 1000 Genomes Project 30x 0.00031; ExAC 0.00010.
gnomAD v4.1: 40 of 1,610,126 alleles (0.0025%); highest among the groups gnomAD compares: East Asian, 0.083%; no homozygotes.

Submissions (2):

Labcorp Genetics (formerly Invitae), Labcorp
Classification: Uncertain significance. Last evaluated: 2024-10-21. Review status: criteria provided, single submitter. Criteria: Invitae Variant Classification Sherloc (09022015). Collection method: clinical testing. Allele origin: germline.
Comment: This sequence change falls in intron 2 of the PCDH15 gene. It does not directly change the encoded amino acid sequence of the PCDH15 protein. It affects a nucleotide within the consensus splice site. This variant is present in population databases (rs190879045, gnomAD 0.1%). This variant has not been reported in the literature in individuals affected with PCDH15-related conditions. ClinVar contains an entry for this variant (Variation ID: 2198200). Variants that disrupt the consensus splice site are a relatively common cause of aberrant splicing (PMID: 17576681, 9536098). Algorithms developed to predict the effect of sequence changes on RNA splicing suggest that this variant is not likely to affect RNA splicing. In summary, the available evidence is currently insufficient to determine the role of this variant in disease. Therefore, it has been classified as a Variant of Uncertain Significance.

Blueprint Genetics
Classification: Uncertain significance. Last evaluated: 2023-02-07. Review status: criteria provided, single submitter. Criteria: ACMG Guidelines, 2015. Collection method: clinical testing. Allele origin: germline.

Literature cited by the submitters: PubMed 17576681 (cited by Labcorp Genetics (formerly Invitae), Labcorp); PubMed 9536098 (cited by Labcorp Genetics (formerly Invitae), Labcorp).

NM_001384140.1(PCDH15):c.91+5G>A

Gene: PCDH15 (protocadherin related 15; minus strand). Cytogenetic location: 10q21.1.
Variant type: single nucleotide variant.
Coding change: c.91+5G>A on transcript NM_001384140.1 (MANE Select); 5 bases into the intron after coding-DNA position 91, G replaced by A.
Molecular consequence: intron variant.
Genome position (GRCh38, 1-based): chr10:54,664,167, C>T on the plus strand (G>A on the coding strand, the complement: PCDH15 is on the minus strand). VCF-style: chr10-54664167-C-T. GRCh37 (hg19) VCF-style: chr10-56423927-C-T.
Other names: c.91+5G>A (NM_001354420.2, NM_001354429.2, NM_001142772.2 and 14 more transcripts).
Identifiers: ClinVar variation 2198200 (VCV002198200.3), dbSNP rs190879045, ClinGen allele CA5506895.